The following is an entry in ClinVar:

ClinVar aggregate classification (germline): Uncertain significance. Review status: criteria provided, multiple submitters, no conflicts (2 of 4 stars). 4 submissions from 4 submitters: Uncertain significance (4). Last evaluated 2025-01-01.

Conditions:
Inborn genetic diseases. Identifiers: MedGen C0950123, MeSH D030342.
Ellis-van Creveld syndrome (EVC). Also called: Chondroectodermal dysplasia; EVC-Related Ellis-van Creveld Syndrome; EVC2-Related Ellis-van Creveld Syndrome; MESOECTODERMAL DYSPLASIA. Identifiers: Orphanet 289, MedGen C0013903, MONDO:0009162, OMIM 225500.
Curry-Hall syndrome (WAD). Also called: WEYERS ACRODENTAL DYSOSTOSIS. Identifiers: Orphanet 952, MedGen C0457013, MONDO:0008673, OMIM 193530.

Allele frequency attached by ClinVar (database versions not stated): ExAC 0.00007; ESP Exome Variant Server 0.00008; gnomAD 0.00012; TOPMed 0.00015.
gnomAD v4.1: 64 of 1,614,162 alleles (0.004%); highest among the groups gnomAD compares: Admixed American, 0.11%; no homozygotes.

Submissions (4):

Labcorp Genetics (formerly Invitae), Labcorp
Classification: Uncertain significance for Curry-Hall syndrome; Ellis-van Creveld syndrome. Last evaluated: 2025-01-01. Review status: criteria provided, single submitter. Criteria: Invitae Variant Classification Sherloc (09022015). Collection method: clinical testing. Allele origin: germline.
Comment: This sequence change replaces isoleucine, which is neutral and non-polar, with methionine, which is neutral and non-polar, at codon 1234 of the EVC2 protein (p.Ile1234Met). This variant is present in population databases (rs375566943, gnomAD 0.1%). This variant has not been reported in the literature in individuals affected with EVC2-related conditions. ClinVar contains an entry for this variant (Variation ID: 439671). An algorithm developed to predict the effect of missense changes on protein structure and function outputs the following: PolyPhen-2: "Benign". The methionine amino acid residue is found in multiple mammalian species, which suggests that this missense change does not adversely affect protein function. In summary, the available evidence is currently insufficient to determine the role of this variant in disease. Therefore, it has been classified as a Variant of Uncertain Significance.

GeneDx
Classification: Uncertain significance. Last evaluated: 2022-06-10. Review status: criteria provided, single submitter. Criteria: GeneDx Variant Classification Process June 2021. Collection method: clinical testing. Allele origin: germline. Affected: yes.
Comment: In silico analysis, which includes protein predictors and evolutionary conservation, supports that this variant does not alter protein structure/function; Has not been previously published as pathogenic or benign to our knowledge

Ambry Genetics
Classification: Uncertain significance for Inborn genetic diseases. Last evaluated: 2021-09-21. Review status: criteria provided, single submitter. Criteria: Ambry Variant Classification Scheme 2023. Collection method: clinical testing. Allele origin: germline.

ARUP Laboratories, Molecular Genetics and Genomics, ARUP Laboratories
Classification: Uncertain significance. Last evaluated: 2017-02-06. Review status: criteria provided, single submitter. Criteria: ARUP Molecular Germline Variant Investigation Process. Collection method: clinical testing. Allele origin: germline.

NM_147127.5(EVC2):c.3702A>G (p.Ile1234Met)

Gene: EVC2 (EvC ciliary complex subunit 2; minus strand). Cytogenetic location: 4p16.2.
Variant type: single nucleotide variant.
Coding change: c.3702A>G on transcript NM_147127.5 (MANE Select); coding-DNA position 3702, A replaced by G.
Protein change: p.Ile1234Met; replaces isoleucine 1234 with methionine.
Molecular consequence: missense variant.
Genome position (GRCh38, 1-based): chr4:5,563,073, T>C on the plus strand (A>G on the coding strand, the complement: EVC2 is on the minus strand). VCF-style: chr4-5563073-T-C. GRCh37 (hg19) VCF-style: chr4-5564800-T-C.
Other names: c.3462A>G, p.Ile1154Met (NM_001166136.2); short protein forms I1234M, I1154M.
Identifiers: ClinVar variation 439671 (VCV000439671.15), dbSNP rs375566943, ClinGen allele CA2834203.